The following is an entry in ClinVar:

ClinVar aggregate classification (germline): Conflicting classifications of pathogenicity. Review status: criteria provided, conflicting classifications (1 of 4 stars). 2 submissions from 2 submitters: Uncertain significance (1); Likely benign (1). Last evaluated 2025-04-04.

Conditions:
Early-infantile DEE. Also called: Ohtahara syndrome; Early infantile epileptic encephalopathy with suppression bursts; Early infantile epileptic encephalopathy. Identifiers: Orphanet 1934, MedGen C0393706, MONDO:0800491.

Allele frequency attached by ClinVar (database versions not stated): gnomAD exomes 0.00001 and 0.00002; gnomAD 0.00002; TOPMed 0.00002; ExAC 0.00003.
gnomAD v4.1: 11 of 1,613,910 alleles (0.00068%); highest among the groups gnomAD compares: African/African-American, 0.0067%; no homozygotes.

Submissions (2):

Women's Health and Genetics/Laboratory Corporation of America, LabCorp
Classification: Uncertain significance. Last evaluated: 2025-04-04. Review status: criteria provided, single submitter. Criteria: LabCorp Variant Classification Summary - May 2015. Collection method: clinical testing. Allele origin: germline.
Comment: Variant summary: SCN1A c.1663-7C>T alters a non-conserved nucleotide located close to a canonical splice site and therefore could affect mRNA splicing, leading to a significantly altered protein sequence. Consensus agreement among computation tools predict no significant impact on normal splicing. However, these predictions have yet to be confirmed by functional studies. The variant allele was found at a frequency of 1.6e-05 in 249448 control chromosomes (gnomAD). The available data on variant occurrences in the general population are insufficient to allow any conclusion about variant significance. To our knowledge, no occurrence of c.1663-7C>T in individuals affected with SCN1A-Related Seizure Disorder and no experimental evidence demonstrating its impact on protein function have been reported. ClinVar contains an entry for this variant (Variation ID: 1142645). Based on the evidence outlined above, the variant was classified as uncertain significance.

Labcorp Genetics (formerly Invitae), Labcorp
Classification: Likely benign for Early-infantile DEE. Last evaluated: 2020-07-12. Review status: criteria provided, single submitter. Criteria: Invitae Variant Classification Sherloc (09022015). Collection method: clinical testing. Allele origin: germline.

NM_001165963.4(SCN1A):c.1663-7C>T

Gene: SCN1A (sodium voltage-gated channel alpha subunit 1; minus strand). Cytogenetic location: 2q24.3.
Variant type: single nucleotide variant.
Coding change: c.1663-7C>T on transcript NM_001165963.4 (MANE Select); 7 bases into the intron before coding-DNA position 1663, C replaced by T.
Molecular consequence: intron variant.
Genome position (GRCh38, 1-based): chr2:166,044,056, G>A on the plus strand (C>T on the coding strand, the complement: SCN1A is on the minus strand). VCF-style: chr2-166044056-G-A. GRCh37 (hg19) VCF-style: chr2-166900566-G-A.
Other names: c.1663-7C>T (NM_001353949.2, NM_001353958.2, NM_001353950.2 and 7 more transcripts); c.1660-7C>T (NM_001353955.2, NM_001353960.2, NM_001353954.2); c.-763-7C>T (NM_001353961.2).
Identifiers: ClinVar variation 1142645 (VCV001142645.12), dbSNP rs759815616, ClinGen allele CA1943268.